The following is an entry in ClinVar:

NM_001134363.3(RBM20):c.532C>T (p.Arg178Ter)

Gene: RBM20 (RNA binding motif protein 20; plus strand). Cytogenetic location: 10q25.2.
Variant type: single nucleotide variant.
Coding change: c.532C>T on transcript NM_001134363.3 (MANE Select); coding-DNA position 532, C replaced by T.
Protein change: p.Arg178Ter; replaces arginine 178 with a stop codon.
Molecular consequence: nonsense.
Genome position (GRCh38, 1-based): chr10:110,781,141, C>T. VCF-style: chr10-110781141-C-T. GRCh37 (hg19) VCF-style: chr10-112540899-C-T.
Other names: p.R178*:CGA>TGA; c.532C>T (LRG_382t1); short protein forms R178*.
Identifiers: ClinVar variation 202080 (VCV000202080.8), dbSNP rs794729161, ClinGen allele CA335583.

ClinVar aggregate classification (germline): Conflicting classifications of pathogenicity. Review status: criteria provided, conflicting classifications (1 of 4 stars). 3 submissions from 3 submitters: Pathogenic (1); Uncertain significance (2). Last evaluated 2025-12-08.

Conditions:
Dilated cardiomyopathy 1DD (CMD1DD). Identifiers: Orphanet 154, MedGen C2750995, MONDO:0013168, OMIM 613172.
Cardiovascular phenotype. Identifiers: MedGen CN230736.

gnomAD v4.1: 5 of 1,551,722 alleles (0.00032%); highest among the groups gnomAD compares: Non-Finnish European, 0.00044%; no homozygotes.

Submissions (3):

Labcorp Genetics (formerly Invitae), Labcorp
Classification: Pathogenic for Dilated cardiomyopathy 1DD. Last evaluated: 2025-12-08. Review status: criteria provided, single submitter. Criteria: Invitae Variant Classification Sherloc (09022015). Collection method: clinical testing. Allele origin: germline.
Comment: This sequence change creates a premature translational stop signal (p.Arg178*) in the RBM20 gene. It is expected to result in an absent or disrupted protein product. Loss-of-function variants in RBM20 are known to be pathogenic (PMID: 20590677, 22004663, 38288598, 38510713, 40339755). This variant is not present in population databases (gnomAD no frequency). This premature translational stop signal has been observed in individual(s) with clinical features of RBM20-related conditions (PMID: 33996946; internal data). ClinVar contains an entry for this variant (Variation ID: 202080). For these reasons, this variant has been classified as Pathogenic.

Ambry Genetics
Classification: Uncertain significance for Cardiovascular phenotype. Last evaluated: 2025-04-09. Review status: criteria provided, single submitter. Criteria: Ambry Variant Classification Scheme 2023. Collection method: clinical testing. Allele origin: germline.
Comment: The p.R178* variant (also known as c.532C>T), located in coding exon 2 of the RBM20 gene, results from a C to T substitution at nucleotide position 532. This changes the amino acid from an arginine to a stop codon within coding exon 2. This variant has been reported in a dilated cardiomyopathy (DCM) cohort (Xiao L et al. Front Cardiovasc Med, 2021 Apr;8:657689). This alteration is expected to result in protein truncation or nonsense-mediated mRNA decay. However, loss of function of RBM20 has not been established as a mechanism of disease. Based on the available evidence, the clinical significance of this alteration remains unclear.

GeneDx
Classification: Uncertain significance. Last evaluated: 2014-10-10. Review status: criteria provided, single submitter. Criteria: GeneDx Variant Classification (06012015). Collection method: clinical testing. Allele origin: germline. Affected: yes.
Comment: p.Arg178Ter (CGA>TGA): c.532 C>T in exon 2 of the RBM20 gene (NM_001134363.1). Mutations in the RBM20 gene have been reported in approximately 3% of of patients with DCM (Refaat M et al., 2011). The R178X variant has not been published as a mutation, nor has it been reported as a benign polymorphism to our knowledge. R178X introduces a premature termination codon, which is predicted to cause loss of normal protein function either by protein truncation or nonsense-mediated mRNA decay. Although the majority of pathogenic RBM20 mutations reported to date are missense changes, one other nonsense mutation in the RBM20 gene has been reported in association with DCM. The spectrum of pathogenic RBM20 mutations associated with DCM in humans has not been fully elucidated to date. Studies in rat have shown that complete RBM20 deficiency or RBM20 haploinsufficiency resulting from either homozygous or heterozygous loss of function mutation, respectively, interfere with titin gene splicing, alter the expression pattern of different titin isoforms and result in cardiomyopathy with arrhythmia. Similarly, a missense mutation in the human RBM20 gene was shown to alter the expression profile of titin isoforms in heart, suggesting a similar disease mechanism (Guo W et al., 2012). Recently however, the NHLBI Exome Sequencing Project identified two frameshift variants with significant allele frequencies in individuals of European and African American background, indicating haploinsufficiency for RBM20 might be tolerated. Additionally, truncating RBM20 alleles have failed to segregate with disease in multiple families tested at GeneDx. Therefore, based on the currently available information, it is unclear whether this variant is a pathogenic mutation or a rare benign variant. The variant is found in CARDIOMYOPATHY panel(s).

Literature cited by the submitters: PubMed 20590677 (cited by Labcorp Genetics (formerly Invitae), Labcorp); PubMed 22004663 (cited by Labcorp Genetics (formerly Invitae), Labcorp); PubMed 38288598 (cited by Labcorp Genetics (formerly Invitae), Labcorp); PubMed 38510713 (cited by Labcorp Genetics (formerly Invitae), Labcorp); PubMed 40339755 (cited by Labcorp Genetics (formerly Invitae), Labcorp); PubMed 33996946 (cited by Labcorp Genetics (formerly Invitae), Labcorp and Ambry Genetics).